The following is an entry in ClinVar:

ClinVar aggregate classification (germline): Likely benign. Review status: criteria provided, multiple submitters, no conflicts (2 of 4 stars). 2 submissions from 2 submitters: Likely benign (2). Last evaluated 2026-04-15.

Conditions:
IFT88-related disorder. Also called: IFT88-related condition.

Allele frequency attached by ClinVar (database versions not stated): ExAC 0.00009; gnomAD 0.00009; gnomAD exomes 0.00009 and 0.00018; TOPMed 0.00010; ESP Exome Variant Server 0.00015.
gnomAD v4.1: 232 of 1,394,112 alleles (0.017%); highest among the groups gnomAD compares: Non-Finnish European, 0.022%; no homozygotes.

Submissions (2):

PreventionGenetics, part of Exact Sciences
Classification: Likely benign for IFT88-related condition. Last evaluated: 2026-04-15. Review status: criteria provided, single submitter. Criteria: ACMG Guidelines, 2015. Collection method: clinical testing. Allele origin: germline.
Comment: This variant is classified as likely benign based on ACMG/AMP sequence variant interpretation guidelines (Richards et al. 2015 PMID: 25741868, with internal and published modifications).

Labcorp Genetics (formerly Invitae), Labcorp
Classification: Likely benign. Last evaluated: 2025-05-19. Review status: criteria provided, single submitter. Criteria: Invitae Variant Classification Sherloc (09022015). Collection method: clinical testing. Allele origin: germline.

NM_006531.5(IFT88):c.1107T>C (p.Arg369=)

Gene: IFT88 (intraflagellar transport 88; plus strand). Cytogenetic location: 13q12.11.
Variant type: single nucleotide variant.
Coding change: c.1107T>C on transcript NM_006531.5 (MANE Select); coding-DNA position 1107, T replaced by C.
Protein change: p.Arg369=; no amino-acid change (arginine 369 retained).
Molecular consequence: synonymous variant. On other transcripts: non-coding transcript variant (5).
Genome position (GRCh38, 1-based): chr13:20,605,100, T>C. VCF-style: chr13-20605100-T-C. GRCh37 (hg19) VCF-style: chr13-21179239-T-C.
Other names: c.1050T>C, p.Arg350= (NM_001318491.2, NM_001353573.2, NM_001353575.2); c.1134T>C, p.Arg378= (NM_001318493.2, NM_001353565.2, NM_001353566.2 and 2 more transcripts); c.1107T>C, p.Arg369= (NM_001353568.2, NM_001353572.2); c.1032T>C, p.Arg344= (NM_001353569.2, NM_001353570.2, NM_001353576.2 and 1 more transcripts); c.1005T>C, p.Arg335= (NM_001353571.2, NM_001353578.2); c.948T>C, p.Arg316= (NM_001353574.2); c.474T>C, p.Arg158= (NM_001353579.2); c.1134T>C (NM_175605.4).
Identifiers: ClinVar variation 1585951 (VCV001585951.9), dbSNP rs143814635, ClinGen allele CA6905271.